The following is an entry in ClinVar:

NM_001012720.2(RGR):c.337C>A (p.Arg113Ser)

Gene: RGR (retinal G protein coupled receptor; plus strand). Cytogenetic location: 10q23.1.
Variant type: single nucleotide variant.
Coding change: c.337C>A on transcript NM_001012720.2 (MANE Select); coding-DNA position 337, C replaced by A.
Protein change: p.Arg113Ser; replaces arginine 113 with serine.
Molecular consequence: missense variant.
Genome position (GRCh38, 1-based): chr10:84,249,022, C>A. VCF-style: chr10-84249022-C-A. GRCh37 (hg19) VCF-style: chr10-86008778-C-A.
Other names: c.337C>A, p.Arg113Ser (NM_001012722.2); c.349C>A, p.Arg117Ser (NM_002921.4); c.337C>A (NM_001012720.1); short protein forms R113S, R117S.
Identifiers: ClinVar variation 1350788 (VCV001350788.8), dbSNP rs142050467, ClinGen allele CA5581388.

ClinVar aggregate classification (germline): Uncertain significance. Review status: criteria provided, multiple submitters, no conflicts (2 of 4 stars). 3 submissions from 3 submitters: Uncertain significance (3). Last evaluated 2025-07-07.

Allele frequency attached by ClinVar (database versions not stated): ExAC 0.00001; ESP Exome Variant Server 0.00008.
gnomAD v4.1: 16 of 1,613,894 alleles (0.00099%); highest among the groups gnomAD compares: African/African-American, 0.017%; no homozygotes.

Submissions (3):

Labcorp Genetics (formerly Invitae), Labcorp
Classification: Uncertain significance. Last evaluated: 2025-07-07. Review status: criteria provided, single submitter. Criteria: Invitae Variant Classification Sherloc (09022015). Collection method: clinical testing. Allele origin: germline.
Comment: This sequence change replaces arginine, which is basic and polar, with serine, which is neutral and polar, at codon 113 of the RGR protein (p.Arg113Ser). This variant is present in population databases (rs142050467, gnomAD 0.03%). This variant has not been reported in the literature in individuals affected with RGR-related conditions. ClinVar contains an entry for this variant (Variation ID: 1350788). Experimental studies and prediction algorithms are not available or were not evaluated, and the functional significance of this variant is currently unknown. In summary, the available evidence is currently insufficient to determine the role of this variant in disease. Therefore, it has been classified as a Variant of Uncertain Significance.

Ambry Genetics
Classification: Uncertain significance. Last evaluated: 2022-02-10. Review status: criteria provided, single submitter. Criteria: Ambry Variant Classification Scheme 2023. Collection method: clinical testing. Allele origin: germline.

Blueprint Genetics
Classification: Uncertain significance. Last evaluated: 2018-07-12. Review status: criteria provided, single submitter. Criteria: ACMG Guidelines, 2015. Collection method: clinical testing. Allele origin: germline.